The following is an entry in ClinVar:

NM_001388492.1(HTT):c.3049A>G (p.Thr1017Ala)

Gene: HTT (huntingtin; plus strand). Cytogenetic location: 4p16.3.
Variant type: single nucleotide variant.
Coding change: c.3049A>G on transcript NM_001388492.1 (MANE Select); coding-DNA position 3049, A replaced by G.
Protein change: p.Thr1017Ala; replaces threonine 1017 with alanine.
Molecular consequence: missense variant.
Genome position (GRCh38, 1-based): chr4:3,142,869, A>G. VCF-style: chr4-3142869-A-G. GRCh37 (hg19) VCF-style: chr4-3144596-A-G.
Other names: c.3055A>G, p.Thr1019Ala (NM_002111.8); short protein forms T1019A, T1017A.
Identifiers: ClinVar variation 1519809 (VCV001519809.6), dbSNP rs866014505, ClinGen allele CA91445719.

ClinVar aggregate classification (germline): Uncertain significance (1 of 4 stars; one submission).

Allele frequency attached by ClinVar (database versions not stated): TOPMed below 0.00001.

Submission:

Labcorp Genetics (formerly Invitae), Labcorp
Classification: Uncertain significance. Last evaluated: 2021-03-25. Review status: criteria provided, single submitter. Criteria: Invitae Variant Classification Sherloc (09022015). Collection method: clinical testing. Allele origin: germline.
Comment: In summary, the available evidence is currently insufficient to determine the role of this variant in disease. Therefore, it has been classified as a Variant of Uncertain Significance. Experimental studies and prediction algorithms are not available or were not evaluated, and the functional significance of this variant is currently unknown. This variant has not been reported in the literature in individuals with HTT-related conditions. This variant is not present in population databases (ExAC no frequency). This sequence change replaces threonine with alanine at codon 1019 of the HTT protein (p.Thr1019Ala). The threonine residue is highly conserved and there is a small physicochemical difference between threonine and alanine.